The following is an entry in ClinVar:

NM_001035.3(RYR2):c.4073G>T (p.Arg1358Leu)

Genes: RYR2 (ryanodine receptor 2; plus strand), LOC126806067 (BRD4-independent group 4 enhancer GRCh37_chr1:237753258-237754457; plus strand). Cytogenetic location: 1q43.
Variant type: single nucleotide variant.
Coding change: c.4073G>T on transcript NM_001035.3 (MANE Select); coding-DNA position 4073, G replaced by T.
Protein change: p.Arg1358Leu; replaces arginine 1358 with leucine.
Molecular consequence: missense variant.
Genome position (GRCh38, 1-based): chr1:237,590,905, G>T. VCF-style: chr1-237590905-G-T. GRCh37 (hg19) VCF-style: chr1-237754205-G-T.
Other names: short protein forms R1358L.
Identifiers: ClinVar variation 2774290 (VCV002774290.2), dbSNP rs1675084862, ClinGen allele CA345397680.
Genomic context (GRCh38, chr1:237,590,905, plus strand): 5'-ATGCTGATTCTGACTTTGAGGTTCTGATGAAGACAGCTCATGGCCATCTAGTGCCCGATC[G>T]TGTTGACAAAGACAAAGAAGCTACTAAACCAGAGTTTAACAACCACAAAGATTATGCCCA-3'
Protein context (NP_001026.2, residues 1348-1368): KTAHGHLVPD[Arg1358Leu]VDKDKEATKP

ClinVar aggregate classification (germline): Uncertain significance (1 of 4 stars; one submission).

Conditions:
Cardiomyopathy (CMYO). Also called: Cardiomyopathies. Identifiers: Orphanet 167848, MedGen C0878544, MONDO:0004994, HP:0001638. Inheritance: Various modes of inheritance.

gnomAD v4.1: 1 of 1,613,864 alleles (0.000062%); no homozygotes.

Submission:

Color Diagnostics, LLC DBA Color Health
Classification: Uncertain significance for Cardiomyopathy. Last evaluated: 2023-11-20. Review status: criteria provided, single submitter. Criteria: ACMG Guidelines, 2015. Collection method: clinical testing. Allele origin: germline.
Comment: This missense variant replaces arginine with leucine at codon 1358 of the RYR2 protein. Computational prediction suggests that this variant may not impact protein structure and function (internally defined REVEL score threshold <= 0.5, PMID: 27666373). To our knowledge, functional studies have not been reported for this variant. This variant has not been reported in individuals affected with RYR2-related disorders in the literature. This variant has not been identified in the general population by the Genome Aggregation Database (gnomAD). The available evidence is insufficient to determine the role of this variant in disease conclusively. Therefore, this variant is classified as a Variant of Uncertain Significance.